The following is an entry in ClinVar:

NM_000535.5(PMS2):c.-2146C>A

Genes: AIMP2 (aminoacyl tRNA synthetase complex interacting multifunctional protein 2; plus strand), PMS2 (PMS1 homolog 2, mismatch repair system component; minus strand). Cytogenetic location: 7p22.1.
Variant type: single nucleotide variant.
Coding change: c.-2146C>A on transcript NM_000535.5; 2146 bases upstream of the start codon, C replaced by A.
Molecular consequence: intron variant (on NM_006303.4). On other transcripts: missense variant (1).
Genome position (GRCh38, 1-based): chr7:6,011,165, G>T on the plus strand (C>A on the coding strand, the complement: PMS2 is on the minus strand). VCF-style: chr7-6011165-G-T. GRCh37 (hg19) VCF-style: chr7-6050796-G-T.
Other names: c.36G>T, p.Arg12Ser (NM_001362785.2); c.-185-1579G>T (NM_001326609.2); c.135+1667G>T (NM_006303.4, NM_001326607.2); c.-100+394G>T (NM_001326611.3); c.-251+1787G>T (NM_001326610.2); c.15+1787G>T (NM_001326606.2); c.3+1396G>T (NM_001362787.2); short protein forms R12S.
Identifiers: ClinVar variation 91282 (VCV000091282.5), dbSNP rs77199218, ClinGen allele CA331726.

ClinVar aggregate classification (germline): Benign (3 of 4 stars; one submission).

Conditions:
Lynch syndrome. Identifiers: Orphanet 144, MedGen C4552100, MONDO:0005835. Disease mechanism: loss of function.

Allele frequency attached by ClinVar (database versions not stated): TOPMed 0.05216; gnomAD 0.05693 and 0.04878; 1000 Genomes Project 30x 0.11446; 1000 Genomes Project 0.12041.
gnomAD v4.1: 8,617 of 152,144 alleles (5.7%); highest among the groups gnomAD compares: East Asian, 35%; 579 homozygotes.

Submission:

International Society for Gastrointestinal Hereditary Tumours (InSiGHT)
Classification: Benign for Lynch Syndrome. Last evaluated: 2013-09-05. Review status: reviewed by expert panel. Criteria: Guidelines v1.9. Collection method: research. Allele origin: germline.
Comment: MAF >1%

Classified with v1.9 guidelines
ClinVar note: Converted during submission from no known pathogenicity to Benign.